The following is an entry in ClinVar:

ClinVar aggregate classification (germline): Uncertain significance. Review status: criteria provided, multiple submitters, no conflicts (2 of 4 stars). 2 submissions from 2 submitters: Uncertain significance (2). Last evaluated 2025-06-11.

Conditions:
Familial cancer of breast. Also called: hereditary breast carcinoma; BREAST CANCER, FAMILIAL; Hereditary breast cancer. Identifiers: Orphanet 227535, MedGen C0346153, MONDO:0016419, OMIM 114480. Disease mechanism: loss of function.
Hereditary diffuse gastric adenocarcinoma (HDGC). Also called: DIFFUSE GASTRIC AND LOBULAR BREAST CANCER SYNDROME. Identifiers: Orphanet 26106, MedGen C1708349, MONDO:0007648, OMIM 137215.

Submissions (2):

Labcorp Genetics (formerly Invitae), Labcorp
Classification: Uncertain significance for Hereditary diffuse gastric adenocarcinoma. Last evaluated: 2025-06-11. Review status: criteria provided, single submitter. Criteria: Invitae Variant Classification Sherloc (09022015). Collection method: clinical testing. Allele origin: germline.
Comment: This sequence change replaces serine, which is neutral and polar, with arginine, which is basic and polar, at codon 559 of the CDH1 protein (p.Ser559Arg). This variant is not present in population databases (gnomAD no frequency). This variant has not been reported in the literature in individuals affected with CDH1-related conditions. ClinVar contains an entry for this variant (Variation ID: 2680441). An algorithm developed to predict the effect of missense changes on protein structure and function (PolyPhen-2) suggests that this variant is likely to be disruptive. In summary, the available evidence is currently insufficient to determine the role of this variant in disease. Therefore, it has been classified as a Variant of Uncertain Significance.

Baylor Genetics
Classification: Uncertain significance for Familial cancer of breast. Last evaluated: 2023-05-17. Review status: criteria provided, single submitter. Criteria: ACMG Guidelines, 2015. Collection method: clinical testing. Allele origin: unknown.

NM_004360.5(CDH1):c.1675A>C (p.Ser559Arg)

Gene: CDH1 (cadherin 1; plus strand). Cytogenetic location: 16q22.1.
Variant type: single nucleotide variant.
Coding change: c.1675A>C on transcript NM_004360.5 (MANE Select); coding-DNA position 1675, A replaced by C.
Protein change: p.Ser559Arg; replaces serine 559 with arginine.
Molecular consequence: missense variant. On other transcripts: intron variant (1).
Genome position (GRCh38, 1-based): chr16:68,819,389, A>C. VCF-style: chr16-68819389-A-C. GRCh37 (hg19) VCF-style: chr16-68853292-A-C.
Other names: c.1492A>C, p.Ser498Arg (NM_001317184.2); c.127A>C, p.Ser43Arg (NM_001317185.2); c.-254-2612A>C (NM_001317186.2); short protein forms S43R, S498R, S559R.
Identifiers: ClinVar variation 2680441 (VCV002680441.3), dbSNP rs1555516566, ClinGen allele CA396465328.